The following is an entry in ClinVar:

NM_000156.6(GAMT):c.347T>A (p.Leu116Gln)

Gene: GAMT (guanidinoacetate N-methyltransferase; minus strand). Cytogenetic location: 19p13.3.
Variant type: single nucleotide variant.
Coding change: c.347T>A on transcript NM_000156.6 (MANE Select); coding-DNA position 347, T replaced by A.
Protein change: p.Leu116Gln; replaces leucine 116 with glutamine.
Molecular consequence: missense variant.
Genome position (GRCh38, 1-based): chr19:1,399,568, A>T on the plus strand (T>A on the coding strand, the complement: GAMT is on the minus strand). VCF-style: chr19-1399568-A-T. GRCh37 (hg19) VCF-style: chr19-1399567-A-T.
Other names: c.347T>A, p.Leu116Gln (NM_138924.3); short protein forms L116Q.
Identifiers: ClinVar variation 1023682 (VCV001023682.6), dbSNP rs765281181, ClinGen allele CA402995786.

ClinVar aggregate classification (germline): Uncertain significance (1 of 4 stars; one submission).

Conditions:
Cerebral creatine deficiency syndrome. Also called: Creatine deficiency syndromes. Identifiers: Orphanet 79172, MedGen C5244016, MONDO:0000456.

Submission:

Labcorp Genetics (formerly Invitae), Labcorp
Classification: Uncertain significance for Cerebral creatine deficiency syndrome. Last evaluated: 2021-08-24. Review status: criteria provided, single submitter. Criteria: Invitae Variant Classification Sherloc (09022015). Collection method: clinical testing. Allele origin: germline.
Comment: This sequence change replaces leucine with glutamine at codon 116 of the GAMT protein (p.Leu116Gln). The leucine residue is highly conserved and there is a moderate physicochemical difference between leucine and glutamine. This variant is not present in population databases (ExAC no frequency). This variant has not been reported in the literature in individuals affected with GAMT-related conditions. Algorithms developed to predict the effect of missense changes on protein structure and function (SIFT, PolyPhen-2, Align-GVGD) all suggest that this variant is likely to be disruptive. In summary, the available evidence is currently insufficient to determine the role of this variant in disease. Therefore, it has been classified as a Variant of Uncertain Significance.